The following is an entry in ClinVar:

NM_018668.5(VPS33B):c.240-9C>T

Gene: VPS33B (VPS33B late endosome and lysosome associated; minus strand). Cytogenetic location: 15q26.1.
Variant type: single nucleotide variant.
Coding change: c.240-9C>T on transcript NM_018668.5 (MANE Select); 9 bases into the intron before coding-DNA position 240, C replaced by T.
Molecular consequence: intron variant.
Genome position (GRCh38, 1-based): chr15:91,014,442, G>A on the plus strand (C>T on the coding strand, the complement: VPS33B is on the minus strand). VCF-style: chr15-91014442-G-A. GRCh37 (hg19) VCF-style: chr15-91557672-G-A.
Other names: c.159-9C>T (NM_001289148.1); c.-34-9C>T (NM_001289149.1); c.240-9C>T (NM_018668.4).
Identifiers: ClinVar variation 502040 (VCV000502040.15), dbSNP rs781107857, ClinGen allele CA7745148.

ClinVar aggregate classification (germline): Conflicting classifications of pathogenicity. Review status: criteria provided, conflicting classifications (1 of 4 stars). 4 submissions from 4 submitters: Uncertain significance (2); Likely benign (1). 1 of the submissions does not count toward it. Last evaluated 2026-01-24.

Conditions:
VPS33B-related disorder. Also called: VPS33B-related condition.
Arthrogryposis, renal dysfunction, and cholestasis 1 (ARCS1). Identifiers: Orphanet 2697, MedGen C1859722, MONDO:0008822, OMIM 208085.

Allele frequency attached by ClinVar (database versions not stated): gnomAD 0.00023; TOPMed 0.00028; 1000 Genomes Project 30x 0.00047.
gnomAD v4.1: 62 of 1,612,510 alleles (0.0038%); highest among the groups gnomAD compares: African/African-American, 0.076%; no homozygotes.

Submissions (4):

Labcorp Genetics (formerly Invitae), Labcorp
Classification: Likely benign. Last evaluated: 2026-01-24. Review status: criteria provided, single submitter. Criteria: Invitae Variant Classification Sherloc (09022015). Collection method: clinical testing. Allele origin: germline.

Illumina Laboratory Services, Illumina
Classification: Uncertain significance for Arthrogryposis, renal dysfunction, and cholestasis 1. Last evaluated: 2018-01-13. Review status: criteria provided, single submitter. Criteria: ICSL Variant Classification Criteria 13 December 2019. Collection method: clinical testing. Allele origin: germline.

Eurofins Ntd Llc (ga)
Classification: Uncertain significance. Last evaluated: 2017-05-18. Review status: criteria provided, single submitter. Criteria: EGL Classification Definitions 2015. Collection method: clinical testing. Allele origin: germline. Observed: 1 variant allele, 1 heterozygote.

PreventionGenetics, part of Exact Sciences
Classification: Likely benign for VPS33B-related condition. Last evaluated: 2021-08-09. Review status: no assertion criteria provided. Collection method: clinical testing. Allele origin: germline. Not counted in ClinVar's aggregate classification.
Comment: This variant is classified as likely benign based on ACMG/AMP sequence variant interpretation guidelines (Richards et al. 2015 PMID: 25741868, with internal and published modifications).